The following is an entry in ClinVar:

NM_001376.5(DYNC1H1):c.3319A>G (p.Ile1107Val)

Gene: DYNC1H1 (dynein cytoplasmic 1 heavy chain 1; plus strand). Cytogenetic location: 14q32.31.
Variant type: single nucleotide variant.
Coding change: c.3319A>G on transcript NM_001376.5 (MANE Select); coding-DNA position 3319, A replaced by G.
Protein change: p.Ile1107Val; replaces isoleucine 1107 with valine.
Molecular consequence: missense variant.
Genome position (GRCh38, 1-based): chr14:101,994,835, A>G. VCF-style: chr14-101994835-A-G. GRCh37 (hg19) VCF-style: chr14-102461172-A-G.
Other names: short protein forms I1107V.
Identifiers: ClinVar variation 3061412 (VCV003061412.3), dbSNP rs2503714910, ClinGen allele CA391033453.

ClinVar aggregate classification (germline): Uncertain significance. Review status: criteria provided, single submitter (1 of 4 stars). 2 submissions from 2 submitters: Uncertain significance (1). 1 of the submissions does not count toward it. Last evaluated 2024-05-22.

Conditions:
DYNC1H1-related disorder. Also called: DYNC1H1-related condition; DYNC1H1-related disorders. Identifiers: MedGen CN381529.

Submissions (2):

Women's Health and Genetics/Laboratory Corporation of America, LabCorp
Classification: Uncertain significance. Last evaluated: 2024-05-22. Review status: criteria provided, single submitter. Criteria: LabCorp Variant Classification Summary - May 2015. Collection method: clinical testing. Allele origin: germline.
Comment: Variant summary: DYNC1H1 c.3319A>G (p.Ile1107Val) results in a conservative amino acid change in the encoded protein sequence. Four of five in-silico tools predict a benign effect of the variant on protein function. The variant was absent in 250890 control chromosomes (gnomAD). The available data on variant occurrences in the general population are insufficient to allow any conclusion about variant significance. To our knowledge, no occurrence of c.3319A>G in individuals affected with DYNC1H1-Related Disorders and no experimental evidence demonstrating its impact on protein function have been reported. ClinVar contains an entry for this variant (Variation ID: 3061412). Based on the evidence outlined above, the variant was classified as uncertain significance.

PreventionGenetics, part of Exact Sciences
Classification: Uncertain significance for DYNC1H1-related condition. Last evaluated: 2024-02-20. Review status: no assertion criteria provided. Collection method: clinical testing. Allele origin: germline. Not counted in ClinVar's aggregate classification.
Comment: The DYNC1H1 c.3319A>G variant is predicted to result in the amino acid substitution p.Ile1107Val. To our knowledge, this variant has not been reported in the literature or in a large population database, indicating this variant is rare. At this time, the clinical significance of this variant is uncertain due to the absence of conclusive functional and genetic evidence.